The following is an entry in ClinVar:

ClinVar aggregate classification (germline): Uncertain significance. Review status: criteria provided, multiple submitters, no conflicts (2 of 4 stars). 2 submissions from 2 submitters: Uncertain significance (2). Last evaluated 2025-11-26.

gnomAD v4.1: 22 of 1,613,544 alleles (0.0014%); highest among the groups gnomAD compares: Middle Eastern, 0.016%; no homozygotes.

Submissions (2):

Ambry Genetics
Classification: Uncertain significance. Last evaluated: 2025-11-26. Review status: criteria provided, single submitter. Criteria: Ambry Variant Classification Scheme 2023. Collection method: clinical testing. Allele origin: germline.

Labcorp Genetics (formerly Invitae), Labcorp
Classification: Uncertain significance. Last evaluated: 2025-02-07. Review status: criteria provided, single submitter. Criteria: Invitae Variant Classification Sherloc (09022015). Collection method: clinical testing. Allele origin: germline.
Comment: This sequence change replaces arginine, which is basic and polar, with histidine, which is basic and polar, at codon 703 of the ZDBF2 protein (p.Arg703His). This variant is present in population databases (rs760671336, gnomAD 0.008%). This variant has not been reported in the literature in individuals affected with ZDBF2-related conditions. An algorithm developed to predict the effect of missense changes on protein structure and function (PolyPhen-2) suggests that this variant is likely to be tolerated. In summary, the available evidence is currently insufficient to determine the role of this variant in disease. Therefore, it has been classified as a Variant of Uncertain Significance.

NM_020923.3(ZDBF2):c.2108G>A (p.Arg703His)

Gene: ZDBF2 (zinc finger DBF-type containing 2; plus strand). Cytogenetic location: 2q33.3.
Variant type: single nucleotide variant.
Coding change: c.2108G>A on transcript NM_020923.3 (MANE Select); coding-DNA position 2108, G replaced by A.
Protein change: p.Arg703His; replaces arginine 703 with histidine.
Molecular consequence: missense variant.
Genome position (GRCh38, 1-based): chr2:206,306,636, G>A. VCF-style: chr2-206306636-G-A. GRCh37 (hg19) VCF-style: chr2-207171360-G-A.
Other names: c.2102G>A, p.Arg701His (NM_001285549.2); c.2108G>A, p.Arg703His (NM_001369654.1); c.2108G>A (NM_020923.1); short protein forms R701H, R703H.
Identifiers: ClinVar variation 3717000 (VCV003717000.3).